The following is an entry in ClinVar:

NM_000352.6(ABCC8):c.1012-6C>T

Gene: ABCC8 (ATP binding cassette subfamily C member 8; minus strand). Cytogenetic location: 11p15.1.
Variant type: single nucleotide variant.
Coding change: c.1012-6C>T on transcript NM_000352.6 (MANE Select); 6 bases into the intron before coding-DNA position 1012, C replaced by T.
Molecular consequence: intron variant.
Genome position (GRCh38, 1-based): chr11:17,453,289, G>A on the plus strand (C>T on the coding strand, the complement: ABCC8 is on the minus strand). VCF-style: chr11-17453289-G-A. GRCh37 (hg19) VCF-style: chr11-17474836-G-A.
Other names: c.1009-6C>T (NM_001351297.2, NM_001351296.2); c.1012-6C>T (NM_001351295.2, NM_001287174.3).
Identifiers: ClinVar variation 794910 (VCV000794910.9), dbSNP rs764178736, ClinGen allele CA5903685.

ClinVar aggregate classification (germline): Conflicting classifications of pathogenicity. Review status: criteria provided, conflicting classifications (1 of 4 stars). 3 submissions from 2 submitters: Uncertain significance (2); Likely benign (1). Last evaluated 2022-10-31.

Conditions:
Transitory neonatal diabetes mellitus. Also called: Transient neonatal diabetes mellitus. Identifiers: MedGen C0342273, MONDO:0020525, HP:0008255.
Maturity-onset diabetes of the young (MODY). Also called: Maturity onset diabetes mellitus in young. Identifiers: Orphanet 552, MedGen C0342276, MONDO:0018911, HP:0004904.

Allele frequency attached by ClinVar (database versions not stated): gnomAD exomes below 0.00001; ExAC 0.00001.

Submissions (3):

Labcorp Genetics (formerly Invitae), Labcorp
Classification: Likely benign. Last evaluated: 2022-10-31. Review status: criteria provided, single submitter. Criteria: Invitae Variant Classification Sherloc (09022015). Collection method: clinical testing. Allele origin: germline.

Clinical Genomics, Uppaluri K&H Personalized Medicine Clinic
Classification: Uncertain significance for Transitory neonatal diabetes mellitus. Review status: criteria provided, single submitter. Criteria: K & H Uppaluri Personalized Medicine Clinic Variant Classification & Assertion Criteria_Updated V.1. Collection method: research. Allele origin: unknown. Inheritance: Somatic mutation.
Comment: Mutations in ABCC8 gene are associated with both neonatal diabetes mellitus as well as MODY. Patients with this mutation may have a better response to sulfonylureas. However, no sufficient evidence is found to ascertain the role of this particular variant ( rs764178736) in neonatal diabetes yet.

Clinical Genomics, Uppaluri K&H Personalized Medicine Clinic
Classification: Uncertain significance for Maturity-onset diabetes of the young. Review status: criteria provided, single submitter. Criteria: K & H Uppaluri Personalized Medicine Clinic Variant Classification & Assertion Criteria_Updated V.1. Collection method: research. Allele origin: unknown. Inheritance: Somatic mutation.
Comment: Mutations in ABCC8 gene are associated with both neonatal diabetes mellitus as well as MODY. Patients with this mutation may have a better response to sulfonylureas. However, no sufficient evidence is found to ascertain the role of this particular variant ( rs764178736) in MODY yet.

Literature cited by the submitters: PubMed 16885549 (cited by Clinical Genomics, Uppaluri K&H Personalized Medicine Clinic); PubMed 21989597 (cited by Clinical Genomics, Uppaluri K&H Personalized Medicine Clinic); PubMed 27538677 (cited by Clinical Genomics, Uppaluri K&H Personalized Medicine Clinic); PubMed 18981553 (cited by Clinical Genomics, Uppaluri K&H Personalized Medicine Clinic); PubMed 32027066 (cited by Clinical Genomics, Uppaluri K&H Personalized Medicine Clinic); PubMed 16613899 (cited by Clinical Genomics, Uppaluri K&H Personalized Medicine Clinic); PubMed 18025408 (cited by Clinical Genomics, Uppaluri K&H Personalized Medicine Clinic); PubMed 32792356 (cited by Clinical Genomics, Uppaluri K&H Personalized Medicine Clinic).